The following is an entry in ClinVar:

ClinVar aggregate classification (germline): Uncertain significance (1 of 4 stars; one submission).

Conditions:
Baller-Gerold syndrome (BGS). Also called: CRANIOSYNOSTOSIS WITH RADIAL DEFECTS. Identifiers: Orphanet 1225, MedGen C0265308, MONDO:0009039, OMIM 218600.

Submission:

Labcorp Genetics (formerly Invitae), Labcorp
Classification: Uncertain significance for Baller-Gerold syndrome. Last evaluated: 2021-12-04. Review status: criteria provided, single submitter. Criteria: Invitae Variant Classification Sherloc (09022015). Collection method: clinical testing. Allele origin: germline.
Comment: In summary, the available evidence is currently insufficient to determine the role of this variant in disease. Therefore, it has been classified as a Variant of Uncertain Significance. Experimental studies and prediction algorithms are not available or were not evaluated, and the functional significance of this variant is currently unknown. This variant has not been reported in the literature in individuals affected with RECQL4-related conditions. This variant is not present in population databases (gnomAD no frequency). This sequence change replaces alanine, which is neutral and non-polar, with proline, which is neutral and non-polar, at codon 226 of the RECQL4 protein (p.Ala226Pro).

NM_004260.4(RECQL4):c.676G>C (p.Ala226Pro)

Gene: RECQL4 (RecQ like helicase 4; minus strand). Cytogenetic location: 8q24.3.
Variant type: single nucleotide variant.
Coding change: c.676G>C on transcript NM_004260.4 (MANE Select); coding-DNA position 676, G replaced by C.
Protein change: p.Ala226Pro; replaces alanine 226 with proline.
Molecular consequence: missense variant.
Genome position (GRCh38, 1-based): chr8:144,516,443, C>G on the plus strand (G>C on the coding strand, the complement: RECQL4 is on the minus strand). VCF-style: chr8-144516443-C-G. GRCh37 (hg19) VCF-style: chr8-145741827-C-G.
Other names: short protein forms A226P.
Identifiers: ClinVar variation 1396335 (VCV001396335.6), dbSNP rs2130724478, ClinGen allele CA372689768.